The following is an entry in ClinVar:

ClinVar aggregate classification (germline): Likely benign. Review status: criteria provided, single submitter (1 of 4 stars). 2 submissions from 2 submitters: Likely benign (1). 1 of the submissions does not count toward it. Last evaluated 2024-04-25.

Conditions:
PCNT-related disorder. Also called: PCNT-related condition.

Allele frequency attached by ClinVar (database versions not stated): gnomAD exomes 0.00001; TOPMed 0.00003; gnomAD 0.00005.
gnomAD v4.1: 16 of 1,544,424 alleles (0.001%); highest among the groups gnomAD compares: Admixed American, 0.0059%; no homozygotes.

Submissions (2):

Labcorp Genetics (formerly Invitae), Labcorp
Classification: Likely benign. Last evaluated: 2024-04-25. Review status: criteria provided, single submitter. Criteria: Invitae Variant Classification Sherloc (09022015). Collection method: clinical testing. Allele origin: germline.

PreventionGenetics, part of Exact Sciences
Classification: Likely benign for PCNT-related condition. Last evaluated: 2023-03-10. Review status: no assertion criteria provided. Collection method: clinical testing. Allele origin: germline. Not counted in ClinVar's aggregate classification.
Comment: This variant is classified as likely benign based on ACMG/AMP sequence variant interpretation guidelines (Richards et al. 2015 PMID: 25741868, with internal and published modifications).

NM_006031.6(PCNT):c.4216+10G>A

Gene: PCNT (pericentrin; plus strand). Cytogenetic location: 21q22.3.
Variant type: single nucleotide variant.
Coding change: c.4216+10G>A on transcript NM_006031.6 (MANE Select); 10 bases into the intron after coding-DNA position 4216, G replaced by A.
Molecular consequence: intron variant.
Genome position (GRCh38, 1-based): chr21:46,391,386, G>A. VCF-style: chr21-46391386-G-A. GRCh37 (hg19) VCF-style: chr21-47811301-G-A.
Other names: c.4216+10G>A (NM_006031.5); c.3862+10G>A (NM_001315529.2).
Identifiers: ClinVar variation 2966768 (VCV002966768.5), dbSNP rs973474492, ClinGen allele CA322031242.